The following is an entry in ClinVar:

ClinVar aggregate classification (germline): Uncertain significance (1 of 4 stars; one submission).

gnomAD v4.1: 3 of 1,328,028 alleles (0.00023%); highest among the groups gnomAD compares: South Asian, 0.0021%; no homozygotes.

Submission:

Ambry Genetics
Classification: Uncertain significance. Last evaluated: 2025-05-29. Review status: criteria provided, single submitter. Criteria: Ambry Variant Classification Scheme 2023. Collection method: clinical testing. Allele origin: germline.
Comment: The c.484G>C (p.G162R) alteration is located in exon (coding exon ) of the SH3RF3 gene. This alteration results from a G to C substitution at nucleotide position 484, causing the glycine (G) at amino acid position 162 to be replaced by an arginine (R). Based on insufficient or conflicting evidence, the clinical significance of this alteration remains unclear.

NM_001099289.3(SH3RF3):c.484G>C (p.Gly162Arg)

Genes: RANBP2 (RAN binding protein 2; plus strand), SH3RF3 (SH3 domain containing ring finger 3; plus strand), SH3RF3-AS1 (SH3RF3 antisense RNA 1; minus strand). Cytogenetic location: 2q13.
Variant type: single nucleotide variant.
Coding change: c.484G>C on transcript NM_001099289.3 (MANE Select); coding-DNA position 484, G replaced by C.
Protein change: p.Gly162Arg; replaces glycine 162 with arginine.
Molecular consequence: missense variant. On other transcripts: non-coding transcript variant (1).
Genome position (GRCh38, 1-based): chr2:109,130,024, G>C. VCF-style: chr2-109130024-G-C. GRCh37 (hg19) VCF-style: chr2-109746480-G-C.
Other names: short protein forms G162R.
Identifiers: ClinVar variation 3953841 (VCV003953841.1).
Genomic context (GRCh38, chr2:109,130,024, plus strand): 5'-GGCCAGAGTGCGGCCCCCACGCTCGCGGGCGGCGGGGGCGGCGCGGCAGGCAGCACCCCG[G>C]GTTCCCCGGTTTTCCTCTCCGCGGCCGCGGGCAGCACCGCCGGCAGTCTGCGGGAGCTGG-3'
Protein context (NP_001092759.1, residues 152-172): GGGGAAGSTP[Gly162Arg]SPVFLSAAAG